The following is an entry in ClinVar:

ClinVar aggregate classification (germline): Uncertain significance (1 of 4 stars; one submission).

Submission:

Labcorp Genetics (formerly Invitae), Labcorp
Classification: Uncertain significance. Last evaluated: 2025-04-02. Review status: criteria provided, single submitter. Criteria: Invitae Variant Classification Sherloc (09022015). Collection method: clinical testing. Allele origin: germline.
Comment: This sequence change replaces leucine, which is neutral and non-polar, with isoleucine, which is neutral and non-polar, at codon 161 of the ARL3 protein (p.Leu161Ile). Information on the frequency of this variant in the gnomAD database is not available, as this variant may be reported differently in the database. This variant has not been reported in the literature in individuals affected with ARL3-related conditions. Experimental studies and prediction algorithms are not available or were not evaluated, and the functional significance of this variant is currently unknown. In summary, the available evidence is currently insufficient to determine the role of this variant in disease. Therefore, it has been classified as a Variant of Uncertain Significance.

NM_004311.4(ARL3):c.480_481delinsAA (p.Leu161Ile)

Gene: ARL3 (ARF like GTPase 3; minus strand). Cytogenetic location: 10q24.32.
Variant type: Indel.
Coding change: c.480_481delinsAA on transcript NM_004311.4 (MANE Select); coding-DNA positions 480 to 481, TC replaced by AA.
Protein change: p.Leu161Ile; replaces leucine 161 with isoleucine.
Molecular consequence: missense variant.
Genome position (GRCh38, 1-based): chr10:102,685,836-102,685,837, GA replaced by TT on the plus strand (TC replaced by AA on the coding strand, the reverse complement: ARL3 is on the minus strand). VCF-style: chr10-102685836-GA-TT. GRCh37 (hg19) VCF-style: chr10-104445593-GA-TT.
Other names: short protein forms L161I.
Identifiers: ClinVar variation 4772493 (VCV004772493.1).